The following is an entry in ClinVar:

NM_002439.5(MSH3):c.2156T>G (p.Ile719Ser)

Gene: MSH3 (mutS homolog 3; plus strand). Cytogenetic location: 5q14.1.
Variant type: single nucleotide variant.
Coding change: c.2156T>G on transcript NM_002439.5 (MANE Select); coding-DNA position 2156, T replaced by G.
Protein change: p.Ile719Ser; replaces isoleucine 719 with serine.
Molecular consequence: missense variant.
Genome position (GRCh38, 1-based): chr5:80,768,906, T>G. VCF-style: chr5-80768906-T-G. GRCh37 (hg19) VCF-style: chr5-80064725-T-G.
Other names: c.2156T>G (NM_002439.3); short protein forms I719S.
Identifiers: ClinVar variation 654408 (VCV000654408.9), dbSNP rs1580034896, ClinGen allele CA360279437.
Genomic context (GRCh38, chr5:80,768,906, plus strand): 5'-AAACTGAATTATTTAAAGACCTTTCTGACTTCCCTTTAATAAAAAAGAGGAAGGATGAAA[T>G]TCAAGGTGTTATTGACGAGATCCGAATGCATTTGCAAGAAATACGAAAAATACTAAAAAA-3'
Protein context (NP_002430.3, residues 709-729): FPLIKKRKDE[Ile719Ser]QGVIDEIRMH

ClinVar aggregate classification (germline): Uncertain significance. Review status: criteria provided, multiple submitters, no conflicts (2 of 4 stars). 2 submissions from 2 submitters: Uncertain significance (2). Last evaluated 2024-04-07.

Conditions:
Hereditary cancer-predisposing syndrome. Also called: Hereditary neoplastic syndrome; Tumor predisposition; Neoplastic Syndromes, Hereditary; Hereditary Cancer Syndrome. Identifiers: Orphanet 140162, MedGen C0027672, MeSH D009386, MONDO:0015356.

Submissions (2):

Ambry Genetics
Classification: Uncertain significance for Hereditary cancer-predisposing syndrome. Last evaluated: 2024-04-07. Review status: criteria provided, single submitter. Criteria: Ambry Variant Classification Scheme 2023. Collection method: clinical testing. Allele origin: germline.
Comment: The p.I719S variant (also known as c.2156T>G), located in coding exon 15 of the MSH3 gene, results from a T to G substitution at nucleotide position 2156. The isoleucine at codon 719 is replaced by serine, an amino acid with dissimilar properties. This amino acid position is conserved. In addition, this alteration is predicted to be deleterious by in silico analysis. Based on the available evidence, the clinical significance of this variant remains unclear.

Labcorp Genetics (formerly Invitae), Labcorp
Classification: Uncertain significance. Last evaluated: 2018-12-01. Review status: criteria provided, single submitter. Criteria: Invitae Variant Classification Sherloc (09022015). Collection method: clinical testing. Allele origin: germline.
Comment: Algorithms developed to predict the effect of missense changes on protein structure and function are either unavailable or do not agree on the potential impact of this missense change (SIFT: "Tolerated"; PolyPhen-2: "Probably Damaging"; Align-GVGD: "Class C0"). In summary, the available evidence is currently insufficient to determine the role of this variant in disease. Therefore, it has been classified as a Variant of Uncertain Significance. This variant has not been reported in the literature in individuals with MSH3-related conditions. This sequence change replaces isoleucine with serine at codon 719 of the MSH3 protein (p.Ile719Ser). The isoleucine residue is moderately conserved and there is a large physicochemical difference between isoleucine and serine. This variant is not present in population databases (ExAC no frequency).